The following is an entry in ClinVar:

NM_198525.3(KIF7):c.2374G>A (p.Ala792Thr)

Gene: KIF7 (kinesin family member 7; minus strand). Cytogenetic location: 15q26.1.
Variant type: single nucleotide variant.
Coding change: c.2374G>A on transcript NM_198525.3 (MANE Select); coding-DNA position 2374, G replaced by A.
Protein change: p.Ala792Thr; replaces alanine 792 with threonine.
Molecular consequence: missense variant.
Genome position (GRCh38, 1-based): chr15:89,642,223, C>T on the plus strand (G>A on the coding strand, the complement: KIF7 is on the minus strand). VCF-style: chr15-89642223-C-T. GRCh37 (hg19) VCF-style: chr15-90185454-C-T.
Other names: short protein forms A792T.
Identifiers: ClinVar variation 1384171 (VCV001384171.8), dbSNP rs139150855, ClinGen allele CA7728214.

ClinVar aggregate classification (germline): Uncertain significance (1 of 4 stars; one submission).

Conditions:
Acrocallosal syndrome (ACLS). Also called: Schinzel syndrome 1; Absence of corpus callosum with unusual facial appearance, mental deficiency, duplication of the halluces and polydactyly; HALLUX DUPLICATION, POSTAXIAL POLYDACTYLY, AND ABSENCE OF CORPUS CALLOSUM. Identifiers: Orphanet 36, MedGen C0796147, MONDO:0008708, OMIM 200990.

Allele frequency attached by ClinVar (database versions not stated): gnomAD 0.00002; gnomAD exomes 0.00002; ExAC 0.00003; TOPMed 0.00003; ESP Exome Variant Server 0.00015.
gnomAD v4.1: 6 of 1,610,314 alleles (0.00037%); highest among the groups gnomAD compares: African/African-American, 0.0067%; no homozygotes.

Submission:

Labcorp Genetics (formerly Invitae), Labcorp
Classification: Uncertain significance for Acrocallosal syndrome. Last evaluated: 2025-10-30. Review status: criteria provided, single submitter. Criteria: Invitae Variant Classification Sherloc (09022015). Collection method: clinical testing. Allele origin: germline.
Comment: This sequence change replaces alanine, which is neutral and non-polar, with threonine, which is neutral and polar, at codon 792 of the KIF7 protein (p.Ala792Thr). This variant is present in population databases (rs139150855, gnomAD 0.01%). This variant has not been reported in the literature in individuals affected with KIF7-related conditions. ClinVar contains an entry for this variant (Variation ID: 1384171). Invitae Evidence Modeling of protein sequence and biophysical properties (such as structural, functional, and spatial information, amino acid conservation, physicochemical variation, residue mobility, and thermodynamic stability) indicates that this missense variant is not expected to disrupt KIF7 protein function with a negative predictive value of 80%. In summary, the available evidence is currently insufficient to determine the role of this variant in disease. Therefore, it has been classified as a Variant of Uncertain Significance.